The following is an entry in ClinVar:

ClinVar aggregate classification (germline): Likely pathogenic. Review status: criteria provided, multiple submitters, no conflicts (2 of 4 stars). 3 submissions from 3 submitters: Likely pathogenic (2). 1 of the submissions does not count toward it. Last evaluated 2024-07-01.

Conditions:
CDKL5 disorder. Identifiers: MedGen CN296942, MONDO:0100039.
Developmental and epileptic encephalopathy, 2 (DEE2). Also called: INFANTILE SPASM SYNDROME, X-LINKED 2; CDKL5 deficiency disorder. Identifiers: Orphanet 1934, Orphanet 3451, Orphanet 505652, MedGen C4750718, MONDO:0010396, OMIM 300672.

Submissions (3):

Centre for Population Genomics, CPG
Classification: Likely pathogenic for CDKL5 disorder. Last evaluated: 2024-07-01. Review status: criteria provided, single submitter. Criteria: McKnight et al. (Hum Mutat. 2022). Collection method: curation. Allele origin: germline. Inheritance: X-linked inheritance.
Comment: This variant has been collected from RettBASE and curated to current modified ACMG/AMP criteria. Based on the classification scheme defined by the ClinGen Rett/Angelman-like Expert Panel for Rett/AS-like Disorders Specifications to the ACMG/AMP Variant Interpretation Guidelines VCEP 3.0, this variant is classified as likely pathogenic. At least the following criteria are met: Same amino acid change as a previously reported variant regardless of nucleotide change (PS1). PMID: 38540345 Another missense variant in the same codon has been classified as pathogenic (PM5) Variation ID: 422272 Computational prediction analysis tools suggests a deleterious impact (REVEL score>= 0.75) (PP3). At least one individual with this variant has been reported with a clinical phenotype consistent with CDKL5- related condition (PP4).PMID: 22264704 This variant is absent from gnomAD (PM2_Supporting).

Genetic Services Laboratory, University of Chicago
Classification: Likely pathogenic for Epileptic encephalopathy, early infantile, 2. Last evaluated: 2013-02-08. Review status: criteria provided, single submitter. Criteria: ACMG Guidelines, 2007. Collection method: clinical testing. Allele origin: germline. Inheritance: X-linked inheritance. Affected: yes.

RettBASE
No classification provided. Review status: no classification provided. Collection method: not provided. Allele origin: not provided. Not counted in ClinVar's aggregate classification.

NM_001323289.2(CDKL5):c.855A>C (p.Arg285Ser)

Gene: CDKL5 (cyclin dependent kinase like 5; plus strand). Cytogenetic location: Xp22.13.
Variant type: single nucleotide variant.
Coding change: c.855A>C on transcript NM_001323289.2 (MANE Select); coding-DNA position 855, A replaced by C.
Protein change: p.Arg285Ser; replaces arginine 285 with serine.
Molecular consequence: missense variant.
Genome position (GRCh38, 1-based): chrX:18,598,491, A>C. VCF-style: chrX-18598491-A-C. GRCh37 (hg19) VCF-style: chrX-18616611-A-C.
Other names: NM_001323289.2(CDKL5):c.855A>C; p.Arg285Ser; c.855A>C, p.Arg285Ser (NM_001037343.2, NM_003159.3); short protein forms R285S.
Identifiers: ClinVar variation 143835 (VCV000143835.7), dbSNP rs267608532, ClinGen allele CA171656.
Genomic context (GRCh38, chrX:18,598,491, plus strand): 5'-TTCTTAACGATCCTAAATTTTATTTCCTAAGAATTTACTGAAGTTGGACCCAGCTGACAG[A>C]TACTTGACAGAACAGTGTTTGAATCACCCTACATTTCAAACCCAGAGACTTCTGGATCGT-3'
Protein context (NP_001310218.1, residues 275-295): KNLLKLDPAD[Arg285Ser]YLTEQCLNHP